The following is an entry in ClinVar:

ClinVar aggregate classification (germline): Uncertain significance. Review status: criteria provided, multiple submitters, no conflicts (2 of 4 stars). 3 submissions from 3 submitters: Uncertain significance (3). Last evaluated 2025-03-24.

Conditions:
Cardiovascular phenotype. Identifiers: MedGen CN230736.

Allele frequency attached by ClinVar (database versions not stated): gnomAD exomes below 0.00001; TOPMed 0.00001.
gnomAD v4.1: 1 of 1,612,364 alleles (0.000062%); highest among the groups gnomAD compares: Non-Finnish European, 0.000085%; no homozygotes.

Submissions (3):

Labcorp Genetics (formerly Invitae), Labcorp
Classification: Uncertain significance. Last evaluated: 2025-03-24. Review status: criteria provided, single submitter. Criteria: Invitae Variant Classification Sherloc (09022015). Collection method: clinical testing. Allele origin: germline.
Comment: This sequence change replaces leucine, which is neutral and non-polar, with histidine, which is basic and polar, at codon 1353 of the ALPK3 protein (p.Leu1353His). This variant is not present in population databases (gnomAD no frequency). This variant has not been reported in the literature in individuals affected with ALPK3-related conditions. ClinVar contains an entry for this variant (Variation ID: 2449084). Invitae Evidence Modeling of protein sequence and biophysical properties (such as structural, functional, and spatial information, amino acid conservation, physicochemical variation, residue mobility, and thermodynamic stability) indicates that this missense variant is expected to disrupt ALPK3 protein function with a positive predictive value of 80%. In summary, the available evidence is currently insufficient to determine the role of this variant in disease. Therefore, it has been classified as a Variant of Uncertain Significance.

GeneDx
Classification: Uncertain significance. Last evaluated: 2024-12-31. Review status: criteria provided, single submitter. Criteria: GeneDx Variant Classification Process June 2021. Collection method: clinical testing. Allele origin: germline. Affected: yes.
Comment: Not observed at significant frequency in large population cohorts (gnomAD); In silico analysis supports that this missense variant has a deleterious effect on protein structure/function; Has not been previously published as pathogenic or benign to our knowledge

Ambry Genetics
Classification: Uncertain significance for Cardiovascular phenotype. Last evaluated: 2022-11-04. Review status: criteria provided, single submitter. Criteria: Ambry Variant Classification Scheme 2023. Collection method: clinical testing. Allele origin: germline.
Comment: The p.L1353H variant (also known as c.4058T>A), located in coding exon 6 of the ALPK3 gene, results from a T to A substitution at nucleotide position 4058. The leucine at codon 1353 is replaced by histidine, an amino acid with similar properties. This amino acid position is conserved. In addition, this alteration is predicted to be tolerated by in silico analysis. Since supporting evidence is limited at this time, the clinical significance of this alteration remains unclear.

NM_020778.5(ALPK3):c.3452T>A (p.Leu1151His)

Gene: ALPK3 (alpha kinase 3; plus strand). Cytogenetic location: 15q25.3.
Variant type: single nucleotide variant.
Coding change: c.3452T>A on transcript NM_020778.5 (MANE Select); coding-DNA position 3452, T replaced by A.
Protein change: p.Leu1151His; replaces leucine 1151 with histidine.
Molecular consequence: missense variant.
Genome position (GRCh38, 1-based): chr15:84,858,190, T>A. VCF-style: chr15-84858190-T-A. GRCh37 (hg19) VCF-style: chr15-85401421-T-A.
Other names: short protein forms L1151H.
Identifiers: ClinVar variation 2449084 (VCV002449084.6), dbSNP rs1195526189, ClinGen allele CA393360300.
Genomic context (GRCh38, chr15:84,858,190, plus strand): 5'-AGAGCATAGCCCAGGAGCCCTCCCAAGAGGAGAAGTTCCCAGGGGAGGCTCTGACAGGTC[T>A]CCCGGCAGCTACACCTGAGGAACTGGCTCTAGGGGCCCGGAGGAAGAGATTTCTCCCTAA-3'
Protein context (NP_065829.4, residues 1141-1161): EKFPGEALTG[Leu1151His]PAATPEELAL